The following is an entry in ClinVar:

NM_003061.3(SLIT1):c.2276T>A (p.Ile759Asn)

Gene: SLIT1 (slit guidance ligand 1; minus strand). Cytogenetic location: 10q24.1.
Variant type: single nucleotide variant.
Coding change: c.2276T>A on transcript NM_003061.3 (MANE Select); coding-DNA position 2276, T replaced by A.
Protein change: p.Ile759Asn; replaces isoleucine 759 with asparagine.
Molecular consequence: missense variant.
Genome position (GRCh38, 1-based): chr10:97,040,009, A>T on the plus strand (T>A on the coding strand, the complement: SLIT1 is on the minus strand). VCF-style: chr10-97040009-A-T. GRCh37 (hg19) VCF-style: chr10-98799766-A-T.
Other names: short protein forms I759N.
Identifiers: ClinVar variation 2500146 (VCV002500146.2), dbSNP rs2493101808, ClinGen allele CA377843387.
Genomic context (GRCh38, chr10:97,040,009, plus strand): 5'-TGGACCCACGTGAAGGGGGCAAGGCCTTGAGCTACTCACAGTTCTGTGACATTCTTGGGA[A>T]TGCCCTTGGGCAGGGCCCGCAGGTGCTTGTTGCTGCATCGGACCACGGTGTCCAGGCAGG-3'
Protein context (NP_003052.2, residues 749-769): NKHLRALPKG[Ile759Asn]PKNVTELYLD

ClinVar aggregate classification (germline): Likely pathogenic (0 of 4 stars; one submission).

Conditions:
Monomelic amyotrophy. Also called: HIRAYAMA DISEASE. Identifiers: Orphanet 65684, MedGen C1865384, MONDO:0011224, OMIM 602440.

Submission:

Department of Research, Sir Ganga Ram Hospital
Classification: Likely pathogenic for Monomelic Amyotrophy. Review status: no assertion criteria provided. Collection method: research. Allele origin: inherited. Inheritance: Autosomal dominant inheritance. Affected: yes. Observed: 2 variant alleles, 2 heterozygotes.
Comment: A novel heterozygous variant in SLIT1 gene was observed in a father-son duo suffering from Monomelic Amyotrophy.